The following is an entry in ClinVar:

NM_005204.4(MAP3K8):c.20G>A (p.Gly7Glu)

Gene: MAP3K8 (mitogen-activated protein kinase kinase kinase 8; plus strand). Cytogenetic location: 10p11.23.
Variant type: single nucleotide variant.
Coding change: c.20G>A on transcript NM_005204.4 (MANE Select); coding-DNA position 20, G replaced by A.
Protein change: p.Gly7Glu; replaces glycine 7 with glutamic acid.
Molecular consequence: missense variant.
Genome position (GRCh38, 1-based): chr10:30,438,958, G>A. VCF-style: chr10-30438958-G-A. GRCh37 (hg19) VCF-style: chr10-30727887-G-A.
Other names: c.20G>A, p.Gly7Glu (NM_001244134.1, NM_001320961.2); short protein forms G7E.
Identifiers: ClinVar variation 1473251 (VCV001473251.6), dbSNP rs780995987, ClinGen allele CA5459568.

ClinVar aggregate classification (germline): Uncertain significance (1 of 4 stars; one submission).

Allele frequency attached by ClinVar (database versions not stated): gnomAD 0.00001; TOPMed 0.00005; ExAC 0.00012; gnomAD exomes 0.00012.
gnomAD v4.1: 32 of 1,609,510 alleles (0.002%); highest among the groups gnomAD compares: Admixed American, 0.053%; no homozygotes.

Submission:

Labcorp Genetics (formerly Invitae), Labcorp
Classification: Uncertain significance. Last evaluated: 2026-01-12. Review status: criteria provided, single submitter. Criteria: Invitae Variant Classification Sherloc (09022015). Collection method: clinical testing. Allele origin: germline.
Comment: This sequence change replaces glycine, which is neutral and non-polar, with glutamic acid, which is acidic and polar, at codon 7 of the MAP3K8 protein (p.Gly7Glu). This variant is present in population databases (rs780995987, gnomAD 0.09%), and has an allele count higher than expected for a pathogenic variant. This variant has not been reported in the literature in individuals affected with MAP3K8-related conditions. ClinVar contains an entry for this variant (Variation ID: 1473251). An algorithm developed to predict the effect of missense changes on protein structure and function (PolyPhen-2) suggests that this variant is likely to be tolerated. In summary, the available evidence is currently insufficient to determine the role of this variant in disease. Therefore, it has been classified as a Variant of Uncertain Significance.